The following is an entry in ClinVar:

ClinVar aggregate classification (germline): Uncertain significance (1 of 4 stars; one submission).

Submission:

CeGaT Center for Human Genetics Tuebingen
Classification: Uncertain significance. Last evaluated: 2026-03-01. Review status: criteria provided, single submitter. Criteria: CeGaT Center For Human Genetics Tuebingen Variant Classification Criteria Version 2. Collection method: clinical testing. Allele origin: germline. Affected: yes. Observed: 1 variant allele.
Comment: POLG: PM2

NM_002693.3(POLG):c.2960C>G (p.Ala987Gly)

Gene: POLG (DNA polymerase gamma, catalytic subunit; minus strand). Cytogenetic location: 15q26.1.
Variant type: single nucleotide variant.
Coding change: c.2960C>G on transcript NM_002693.3 (MANE Select); coding-DNA position 2960, C replaced by G.
Protein change: p.Ala987Gly; replaces alanine 987 with glycine.
Molecular consequence: missense variant.
Genome position (GRCh38, 1-based): chr15:89,320,787, G>C on the plus strand (C>G on the coding strand, the complement: POLG is on the minus strand). VCF-style: chr15-89320787-G-C. GRCh37 (hg19) VCF-style: chr15-89864018-G-C.
Other names: c.2960C>G, p.Ala987Gly (NM_001126131.2); short protein forms A987G.
Identifiers: ClinVar variation 4821388 (VCV004821388.4).